The following is an entry in ClinVar:

NM_001244008.2(KIF1A):c.2798C>T (p.Ala933Val)

Gene: KIF1A (kinesin family member 1A; minus strand). Cytogenetic location: 2q37.3.
Variant type: single nucleotide variant.
Coding change: c.2798C>T on transcript NM_001244008.2 (MANE Select); coding-DNA position 2798, C replaced by T.
Protein change: p.Ala933Val; replaces alanine 933 with valine.
Molecular consequence: missense variant. On other transcripts: intron variant (18).
Genome position (GRCh38, 1-based): chr2:240,757,379, G>A on the plus strand (C>T on the coding strand, the complement: KIF1A is on the minus strand). VCF-style: chr2-240757379-G-A. GRCh37 (hg19) VCF-style: chr2-241696796-G-A.
Other names: c.2873C>T, p.Ala958Val (NM_001379631.1); c.2747C>T, p.Ala916Val (NM_001379632.1); c.2771C>T, p.Ala924Val (NM_001379633.1, NM_001379642.1, NM_001379645.1); c.2555+981C>T (NM_001379653.1, NM_001379650.1, NM_001379640.1 and 7 more transcripts); c.2657+981C>T (NM_001379635.1, NM_001330290.2, NM_001379646.1 and 1 more transcripts); c.2630+981C>T (NM_001379637.1, NM_001379648.1); c.2582+981C>T (NM_001320705.2, NM_001379638.1, NM_001330289.2); short protein forms A916V, A924V, A933V, A958V.
Identifiers: ClinVar variation 1698756 (VCV001698756.5), dbSNP rs760841799, ClinGen allele CA2208019.

ClinVar aggregate classification (germline): Uncertain significance. Review status: criteria provided, multiple submitters, no conflicts (2 of 4 stars). 4 submissions from 4 submitters: Uncertain significance (4). Last evaluated 2024-10-08.

Conditions:
Inborn genetic diseases. Identifiers: MedGen C0950123, MeSH D030342.
Intellectual disability, autosomal dominant 9 (NESCAVS). Also called: NESCAV SYNDROME; KIF1A-Related Neurodevelopmental Disorder. Identifiers: Orphanet 662367, MedGen C5393830, MONDO:0013656, OMIM 614255.
Hereditary spastic paraplegia 30. Identifiers: Orphanet 101010, MedGen C5235139, MONDO:0012476.

Allele frequency attached by ClinVar (database versions not stated): gnomAD exomes 0.00005 and 0.00007; ExAC 0.00006; gnomAD 0.00003; TOPMed 0.00004.

Submissions (4):

Revvity Omics, Revvity
Classification: Uncertain significance. Last evaluated: 2024-10-08. Review status: criteria provided, single submitter. Criteria: ACMG Guidelines, 2015. Collection method: clinical testing. Allele origin: germline.

Genetics and Molecular Pathology, SA Pathology
Classification: Uncertain significance for Intellectual disability, autosomal dominant 9. Last evaluated: 2020-04-16. Review status: criteria provided, single submitter. Criteria: ACMG Guidelines, 2015. Collection method: clinical testing. Allele origin: germline. Affected: yes.
Comment: The KIF1A c.2798C>T variant is classified as a VARIANT OF UNCERTAIN SIGNIFICANCE (PM2, BP4) The KIF1A c.2798C>T variant is a single nucleotide change from a cytosine to a thymine at position 2798 which is predicted to change the alanine at position 933 in the protein to valine. The variant has not been described in the literature to date. The variant has been reported in dbSNP (rs760841799) but is rare in population databases (gnomAD 8/180770, 0 homozygotes) (PM2). The variant has not been reported in the ClinVar or HGMD disease databases. Computational predictions suggest no impact on the gene or gene product (BP4). The variant is not in a protein domain.

Ambry Genetics
Classification: Uncertain significance for Inborn genetic diseases. Last evaluated: 2019-12-19. Review status: criteria provided, single submitter. Criteria: Ambry Variant Classification Scheme 2023. Collection method: clinical testing. Allele origin: germline.
Comment: The p.A933V variant (also known as c.2798C>T), located in coding exon 26 of the KIF1A gene, results from a C to T substitution at nucleotide position 2798. The alanine at codon 933 is replaced by valine, an amino acid with similar properties. This amino acid position is poorly conserved in available vertebrate species. In addition, this alteration is predicted to be tolerated by in silico analysis. Since supporting evidence is limited at this time, the clinical significance of this alteration remains unclear.

Neuberg Centre For Genomic Medicine, NCGM
Classification: Uncertain significance for Spastic paraplegia 30A, autosomal dominant. Review status: criteria provided, single submitter. Criteria: ACMG Guidelines, 2015. Collection method: clinical testing. Allele origin: germline. Inheritance: Autosomal dominant inheritance. Affected: yes.
Comment: The missense variant c.2798C>T(p.Ala933Val) in KIF1A gene has not been reported previously as a pathogenic variant nor as a benign variant, to our knowledge. This variant has not been reported to the ClinVar database. The p.Ala933Val variant is novel (not in any individuals) in 1000 Genomes.The amino acid Ala at position 933 is changed to a Val changing protein sequence and it might alter its composition and physico-chemical properties. In silico tools predict the variant to be tolerated. The residue is conserved across species. The amino acid change p.Ala933Val in KIF1A is predicted as conserved by GERP++ and PhyloP across 100 vertebrates.For these reasons, this variant has been classified as Uncertain Significance